The following is an entry in ClinVar:

NM_001556.3(IKBKB):c.1172A>G (p.Asp391Gly)

Gene: IKBKB (inhibitor of nuclear factor kappa B kinase subunit beta; plus strand). Cytogenetic location: 8p11.21.
Variant type: single nucleotide variant.
Coding change: c.1172A>G on transcript NM_001556.3 (MANE Select); coding-DNA position 1172, A replaced by G.
Protein change: p.Asp391Gly; replaces aspartic acid 391 with glycine.
Molecular consequence: missense variant. On other transcripts: non-coding transcript variant (2).
Genome position (GRCh38, 1-based): chr8:42,317,703, A>G. VCF-style: chr8-42317703-A-G. GRCh37 (hg19) VCF-style: chr8-42175221-A-G.
Other names: c.980A>G, p.Asp327Gly (NM_001190720.3); c.995A>G, p.Asp332Gly (NM_001242778.2); short protein forms D327G, D391G, D332G.
Identifiers: ClinVar variation 2980748 (VCV002980748.3), dbSNP rs372924645, ClinGen allele CA4731917.
Genomic context (GRCh38, chr8:42,317,703, plus strand): 5'-TTGTCCCTTTGCAGTTAAATGAGGGCCACACATTGGACATGGATCTTGTTTTTCTCTTTG[A>G]CAACAGTAAAATCACCTATGAGACTCAGATCTCCCCACGGCCCCAACCTGAAAGTGTCAG-3'
Protein context (NP_001547.1, residues 381-401): TLDMDLVFLF[Asp391Gly]NSKITYETQI

ClinVar aggregate classification (germline): Uncertain significance (1 of 4 stars; one submission).

Conditions:
Severe combined immunodeficiency due to IKK2 deficiency. Also called: IMMUNODEFICIENCY 15B; Immunodeficiency 15. Identifiers: Orphanet 397787, MedGen C4747743, MONDO:0014267, OMIM 615592.

Allele frequency attached by ClinVar (database versions not stated): ExAC 0.00001; gnomAD 0.00001; TOPMed 0.00001; gnomAD exomes 0.00002; ESP Exome Variant Server 0.00008.

Submission:

Labcorp Genetics (formerly Invitae), Labcorp
Classification: Uncertain significance for Severe combined immunodeficiency due to IKK2 deficiency. Last evaluated: 2023-07-01. Review status: criteria provided, single submitter. Criteria: Invitae Variant Classification Sherloc (09022015). Collection method: clinical testing. Allele origin: germline.
Comment: This sequence change replaces aspartic acid, which is acidic and polar, with glycine, which is neutral and non-polar, at codon 391 of the IKBKB protein (p.Asp391Gly). This variant is present in population databases (rs372924645, gnomAD 0.002%). In summary, the available evidence is currently insufficient to determine the role of this variant in disease. Therefore, it has been classified as a Variant of Uncertain Significance. Advanced modeling of protein sequence and biophysical properties (such as structural, functional, and spatial information, amino acid conservation, physicochemical variation, residue mobility, and thermodynamic stability) performed at Invitae indicates that this missense variant is not expected to disrupt IKBKB protein function. This variant has not been reported in the literature in individuals affected with IKBKB-related conditions.